The following is an entry in ClinVar:

ClinVar aggregate classification (germline): Pathogenic (1 of 4 stars; one submission).

Conditions:
Joubert syndrome. Also called: CEREBELLOPARENCHYMAL DISORDER IV; JOUBERT-BOLTSHAUSER SYNDROME; Familial aplasia of the vermis. Identifiers: Orphanet 475, MedGen C5979921, MONDO:0018772.
Meckel-Gruber syndrome. Also called: DYSENCEPHALIA SPLANCHNOCYSTICA; GRUBER SYNDROME; Dysencephalia splachnocystica. Identifiers: Orphanet 564, MedGen C0265215, MONDO:0018921.

Submission:

Labcorp Genetics (formerly Invitae), Labcorp
Classification: Pathogenic for Joubert syndrome; Meckel-Gruber syndrome. Last evaluated: 2023-05-24. Review status: criteria provided, single submitter. Criteria: Invitae Variant Classification Sherloc (09022015). Collection method: clinical testing. Allele origin: germline.
Comment: Algorithms developed to predict the effect of sequence changes on RNA splicing suggest that this variant may disrupt the consensus splice site. Disruption of this splice site has been observed in individual(s) with Joubert syndrome (Invitae). This variant is not present in population databases (gnomAD no frequency). This sequence change affects an acceptor splice site in intron 14 of the TMEM67 gene. It is expected to disrupt RNA splicing. Variants that disrupt the donor or acceptor splice site typically lead to a loss of protein function (PMID: 16199547), and loss-of-function variants in TMEM67 are known to be pathogenic (PMID: 20232449, 23559409). For these reasons, this variant has been classified as Pathogenic.

Literature cited by the submitters: PubMed 16199547; PubMed 20232449; PubMed 23559409.

NM_153704.6(TMEM67):c.1519-1G>A

Gene: TMEM67 (transmembrane protein 67; plus strand). Cytogenetic location: 8q22.1.
Variant type: single nucleotide variant.
Coding change: c.1519-1G>A on transcript NM_153704.6 (MANE Select); the canonical splice acceptor site of the intron before coding-DNA position 1519, G replaced by A.
Molecular consequence: splice acceptor variant.
Genome position (GRCh38, 1-based): chr8:93,791,262, G>A. VCF-style: chr8-93791262-G-A. GRCh37 (hg19) VCF-style: chr8-94803490-G-A.
Other names: c.1276-1G>A (NM_001142301.1).
Identifiers: ClinVar variation 2948194 (VCV002948194.3), dbSNP rs2536880959, ClinGen allele CA371690774.
Genomic context (GRCh38, chr8:93,791,262, plus strand): 5'-CAAAAATAAGTTTGTATCATATAATTTCAGTATAGCTAATTTGTTTTGTTTTAAATATCA[G>A]GTTTCTTTCTCAGTCACATATGAAATGGATCATGGAGAAGCACATGTCCAGACAGATGTA-3'